The following is an entry in ClinVar:

ClinVar aggregate classification (germline): Conflicting classifications of pathogenicity. Review status: criteria provided, conflicting classifications (1 of 4 stars). 29 submissions from 25 submitters: Uncertain significance (2); Benign (11); Likely benign (9). 7 of the submissions do not count toward it. Last evaluated 2026-07-01.

Conditions:
Dilated cardiomyopathy 1G (CMD1G). Identifiers: Orphanet 154, MedGen C1858763, MONDO:0011400, OMIM 604145.
Autosomal recessive limb-girdle muscular dystrophy type 2J (LGMDR10). Also called: MUSCULAR DYSTROPHY, LIMB-GIRDLE, AUTOSOMAL RECESSIVE 10; Limb-girdle muscular dystrophy, type 2J. Identifiers: Orphanet 140922, MedGen C1837342, MONDO:0012127, OMIM 608807.
Cardiovascular phenotype. Identifiers: MedGen CN230736.
Hypertrophic cardiomyopathy. Also called: HYPERTROPHIC MYOCARDIOPATHY. Identifiers: Orphanet 217569, MedGen C0007194, MeSH D002312, MONDO:0005045, HP:0001639.
Supraventricular tachycardia. Identifiers: MedGen C0039240, HP:0004755.
Cardiomyopathy (CMYO). Also called: Cardiomyopathies. Identifiers: Orphanet 167848, MedGen C0878544, MONDO:0004994, HP:0001638. Inheritance: Various modes of inheritance.
Early-onset myopathy with fatal cardiomyopathy (CMYO5). Also called: CONGENITAL MYOPATHY 5 WITH CARDIOMYOPATHY; Salih Myopathy. Identifiers: Orphanet 289377, MedGen C2673677, MONDO:0012714, OMIM 611705. Disease mechanism: loss of function.
Tibial muscular dystrophy (TMD). Also called: Udd Distal Myopathy – Tibial Muscular Dystrophy; Tibial muscular dystrophy, tardive; UDD MYOPATHY. Identifiers: Orphanet 609, MedGen C1838244, MONDO:0010870, OMIM 600334.
Myopathy, myofibrillar, 9, with early respiratory failure (MFM9). Also called: Myopathy, distal, with early respiratory failure, autosomal dominant; Hereditary myopathy with early respiratory failure; MYOPATHY, PROXIMAL, WITH EARLY RESPIRATORY MUSCLE INVOLVEMENT; EDSTROM MYOPATHY. Identifiers: Orphanet 178464, Orphanet 34521, MedGen C1863599, MONDO:0011362, OMIM 603689.
Tip-toe gait. Also called: Toe walking. Identifiers: MedGen C0427144, HP:0030051.

Allele frequency attached by ClinVar (database versions not stated): 1000 Genomes Project 0.00120; gnomAD exomes 0.00566 and 0.00310; gnomAD 0.00359 and 0.00356; 1000 Genomes Project 30x 0.00094; ExAC 0.00331; ESP Exome Variant Server 0.00497; TOPMed 0.00346.
gnomAD v4.1: 8,694 of 1,612,706 alleles (0.54%); highest among the groups gnomAD compares: Non-Finnish European, 0.69%; 29 homozygotes.

Submissions 1 to 16 of 29:

CeGaT Center for Human Genetics Tuebingen
Classification: Likely benign. Last evaluated: 2026-07-01. Review status: criteria provided, single submitter. Criteria: CeGaT Center For Human Genetics Tuebingen Variant Classification Criteria Version 2. Collection method: clinical testing. Allele origin: germline. Affected: yes. Observed: 33 variant alleles.
Comment: TTN: BS2

Molecular Diagnostic Laboratory for Inherited Cardiovascular Disease, Montreal Heart Institute
Classification: Likely benign. Last evaluated: 2026-03-27. Review status: criteria provided, single submitter. Criteria: ACMG Guidelines, 2015. Collection method: clinical testing. Allele origin: germline. Affected: no.

Labcorp Genetics (formerly Invitae), Labcorp
Classification: Benign for Dilated cardiomyopathy 1G; Autosomal recessive limb-girdle muscular dystrophy type 2J. Last evaluated: 2026-02-04. Review status: criteria provided, single submitter. Criteria: Invitae Variant Classification Sherloc (09022015). Collection method: clinical testing. Allele origin: germline.

Mayo Clinic Laboratories, Mayo Clinic
Classification: Benign. Last evaluated: 2024-12-06. Review status: criteria provided, single submitter. Criteria: ACMG Guidelines, 2015. Collection method: clinical testing. Allele origin: germline. Observed: 22 variant alleles.
Comment: BS1, BS2, BP4_moderate

ARUP Laboratories, Molecular Genetics and Genomics, ARUP Laboratories
Classification: Benign. Last evaluated: 2024-11-21. Review status: criteria provided, single submitter. Criteria: ARUP Molecular Germline Variant Investigation Process 2024. Collection method: clinical testing. Allele origin: germline.

Blueprint Genetics
Classification: Likely benign. Last evaluated: 2024-11-21. Review status: criteria provided, single submitter. Criteria: ACMG Guidelines, 2015. Collection method: clinical testing. Allele origin: germline.

Women's Health and Genetics/Laboratory Corporation of America, LabCorp
Classification: Benign. Last evaluated: 2020-08-31. Review status: criteria provided, single submitter. Criteria: LabCorp Variant Classification Summary - May 2015. Collection method: clinical testing. Allele origin: germline.
Comment: Variant summary: TTN c.93961G>A (p.Val31321Ile) results in a conservative amino acid change located in the M-band region of the encoded protein sequence. Three of five in-silico tools predict a benign effect of the variant on protein function. The variant allele was found at a frequency of 0.0031 in 247810 control chromosomes, predominantly at a frequency of 0.006 within the Non-Finnish European subpopulation in the gnomAD database, including 1 homozygote. The observed variant frequency within Non-Finnish European control individuals in the gnomAD database is approximately 10-fold of the estimated maximal expected allele frequency for a pathogenic variant in TTN causing Cardiomyopathy phenotype (0.00063), strongly suggesting that the variant is a benign polymorphism found primarily in populations of Non-Finnish European origin. c.93961G>A has been reported in the literature in individuals affected with Cardiomyopathy and Sudden Unexplained Death (e.g. Pugh_2014, Campuzano_2015). These reports do not provide unequivocal conclusions about association of the variant with Cardiomyopathy. A co-occurrence with a pathogenic variant has been reported (PKP2 c.2146-1G>C; Internal testing). To our knowledge, no experimental evidence demonstrating an impact on protein function has been reported. Nine ClinVar submitters (evaluation after 2014) cite the variant as benign/likely benign. An additional ClinVar submitter (evaluation after 2014) cites the variant under different accessions with varying classifications (benign, likely benign and uncertain significance). Based on the evidence outlined above, the variant was classified as benign.

Athena Diagnostics
Classification: Benign. Last evaluated: 2019-07-31. Review status: criteria provided, single submitter. Criteria: Athena Diagnostics Criteria. Collection method: clinical testing. Allele origin: germline.

Center for Advanced Laboratory Medicine, UC San Diego Health, University of California San Diego
Classification: Benign for Hypertrophic cardiomyopathy; Supraventricular tachycardia. Last evaluated: 2019-03-25. Review status: criteria provided, single submitter. Criteria: ACMG Guidelines, 2015. Collection method: clinical testing. Allele origin: germline. Affected: yes. Observed: 4 variant alleles.

Laboratory for Molecular Medicine, Mass General Brigham Personalized Medicine
Classification: Likely benign. Last evaluated: 2017-08-25. Review status: criteria provided, single submitter. Criteria: LMM Criteria. Collection method: clinical testing. Allele origin: germline. Observed: 23 variant alleles.
Comment: p.Val31321Ile in exon 307 of TTN: This variant is not expected to have clinical significance because it has been identified in 0.6% (762/126186) of European ch romosomes including 2 homozygotes by the Genome Aggregation Database (gnomAD; dbSNP rs34924609).

CHEO Genetics Diagnostic Laboratory, Children's Hospital of Eastern Ontario
Classification: Likely benign for Cardiomyopathy. Last evaluated: 2017-05-11. Review status: criteria provided, single submitter. Criteria: ACMG Guidelines, 2015. Collection method: clinical testing. Allele origin: germline. Study: Canadian Open Genetics Repository.

Illumina Laboratory Services, Illumina
Classification: Uncertain significance for Autosomal recessive limb-girdle muscular dystrophy type 2J. Last evaluated: 2017-04-27. Review status: criteria provided, single submitter. Criteria: ICSL Variant Classification Criteria 13 December 2019. Collection method: clinical testing. Allele origin: germline.

Illumina Laboratory Services, Illumina
Classification: Benign for Tibial muscular dystrophy. Last evaluated: 2017-04-27. Review status: criteria provided, single submitter. Criteria: ICSL Variant Classification Criteria 13 December 2019. Collection method: clinical testing. Allele origin: germline.
Comment: This variant was observed as part of a predisposition screen in an ostensibly healthy population. A literature search was performed for the gene, cDNA change, and amino acid change (where applicable). No publications were found based on this search. Allele frequency data from public databases was too high to be consistent with this variant causing disease. Therefore, this variant is classified as benign.

Illumina Laboratory Services, Illumina
Classification: Benign for Myopathy, myofibrillar, 9, with early respiratory failure. Last evaluated: 2017-04-27. Review status: criteria provided, single submitter. Criteria: ICSL Variant Classification Criteria 13 December 2019. Collection method: clinical testing. Allele origin: germline.
Comment: This variant was observed as part of a predisposition screen in an ostensibly healthy population. A literature search was performed for the gene, cDNA change, and amino acid change (where applicable). Publications were found based on this search. The evidence from the literature, in combination with allele frequency data from public databases where available, was sufficient to rule this variant out of causing disease. Therefore, this variant is classified as benign.

Illumina Laboratory Services, Illumina
Classification: Likely benign for Dilated cardiomyopathy 1G. Last evaluated: 2017-04-27. Review status: criteria provided, single submitter. Criteria: ICSL Variant Classification Criteria 13 December 2019. Collection method: clinical testing. Allele origin: germline.
Comment: This variant was observed as part of a predisposition screen in an ostensibly healthy population. A literature search was performed for the gene, cDNA change, and amino acid change (where applicable). No publications were found based on this search. Allele frequency data from public databases allowed determination this variant is unlikely to cause disease. Therefore, this variant is classified as likely benign.

Illumina Laboratory Services, Illumina
Classification: Uncertain significance for Early-onset myopathy with fatal cardiomyopathy. Last evaluated: 2017-04-27. Review status: criteria provided, single submitter. Criteria: ICSL Variant Classification Criteria 13 December 2019. Collection method: clinical testing. Allele origin: germline.

NM_001267550.2(TTN):c.101665G>A (p.Val33889Ile)

Genes: TTN (titin; minus strand), TTN-AS1 (TTN antisense RNA 1; plus strand). Cytogenetic location: 2q31.2.
Variant type: single nucleotide variant.
Coding change: c.101665G>A on transcript NM_001267550.2 (MANE Select); coding-DNA position 101665, G replaced by A.
Protein change: p.Val33889Ile; replaces valine 33889 with isoleucine.
Molecular consequence: missense variant.
Genome position (GRCh38, 1-based): chr2:178,534,950, C>T on the plus strand (G>A on the coding strand, the complement: TTN is on the minus strand). VCF-style: chr2-178534950-C-T. GRCh37 (hg19) VCF-style: chr2-179399677-C-T.
Other names: p.V31321I:GTT>ATT; c.96742G>A, p.Val32248Ile (NM_001256850.1); c.74470G>A, p.Val24824Ile (NM_003319.4); c.93961G>A, p.Val31321Ile (NM_133378.4); c.74845G>A, p.Val24949Ile (NM_133432.3); c.75046G>A, p.Val25016Ile (NM_133437.4); short protein forms V33889I, V31321I, V32248I, V24949I, V25016I, V24824I.
Identifiers: ClinVar variation 47639 (VCV000047639.92), dbSNP rs34924609, ClinGen allele CA231620.